The following is an entry in ClinVar:

NM_000038.6(APC):c.6395C>G (p.Ser2132Ter)

Gene: APC (APC regulator of Wnt signaling pathway; plus strand). Cytogenetic location: 5q22.2.
Variant type: single nucleotide variant.
Coding change: c.6395C>G on transcript NM_000038.6 (MANE Select); coding-DNA position 6395, C replaced by G.
Protein change: p.Ser2132Ter; replaces serine 2132 with a stop codon.
Molecular consequence: nonsense.
Genome position (GRCh38, 1-based): chr5:112,841,989, C>G. VCF-style: chr5-112841989-C-G. GRCh37 (hg19) VCF-style: chr5-112177686-C-G.
Other names: c.6395C>G, p.Ser2132Ter (NM_001127510.3, NM_001354895.2); c.6341C>G, p.Ser2114Ter (NM_001127511.3); c.6449C>G, p.Ser2150Ter (NM_001354896.2); c.6425C>G, p.Ser2142Ter (NM_001354897.2); c.6320C>G, p.Ser2107Ter (NM_001354898.2); c.6311C>G, p.Ser2104Ter (NM_001354899.2); c.6272C>G, p.Ser2091Ter (NM_001354900.2); c.6218C>G, p.Ser2073Ter (NM_001354901.2); and 5 more; short protein forms S2031*, S2041*, S1972*, S2006*, S2073*, S2104*, S2107*, S2132*.
Identifiers: ClinVar variation 662578 (VCV000662578.12), dbSNP rs1580670427, ClinGen allele CA16035334.

ClinVar aggregate classification (germline): Pathogenic/Likely pathogenic. Review status: criteria provided, multiple submitters, no conflicts (2 of 4 stars). 3 submissions from 3 submitters: Pathogenic (2); Likely pathogenic (1). Last evaluated 2026-07-20.

Conditions:
Hereditary cancer-predisposing syndrome. Also called: Hereditary neoplastic syndrome; Tumor predisposition; Neoplastic Syndromes, Hereditary; Hereditary Cancer Syndrome. Identifiers: Orphanet 140162, MedGen C0027672, MeSH D009386, MONDO:0015356.
Familial adenomatous polyposis 1 (FAP1). Also called: FAMILIAL ADENOMATOUS POLYPOSIS 1, ATTENUATED; POLYPOSIS, ADENOMATOUS INTESTINAL. Identifiers: MedGen C2713442, MONDO:0021056, OMIM 175100. Disease mechanism: loss of function.

Allele frequency attached by ClinVar (database versions not stated): gnomAD exomes below 0.00001.
gnomAD v4.1: 1 of 1,612,950 alleles (0.000062%); highest among the groups gnomAD compares: Non-Finnish European, 0.000085%; no homozygotes.

Submissions (3):

Institute of Human Genetics, University of Leipzig Medical Center
Classification: Likely pathogenic for Familial adenomatous polyposis 1. Last evaluated: 2026-07-20. Review status: criteria provided, single submitter. Criteria: ACMG Guidelines, 2015. Collection method: clinical testing. Allele origin: unknown. Inheritance: Autosomal dominant inheritance. Affected: yes.
Comment: Criteria applied: PVS1,PM2_SUP

Labcorp Genetics (formerly Invitae), Labcorp
Classification: Pathogenic for Familial adenomatous polyposis 1. Last evaluated: 2025-11-16. Review status: criteria provided, single submitter. Criteria: Invitae Variant Classification Sherloc (09022015). Collection method: clinical testing. Allele origin: germline.
Comment: This sequence change creates a premature translational stop signal (p.Ser2132*) in the APC gene. While this is not anticipated to result in nonsense mediated decay, it is expected to disrupt the last 712 amino acid(s) of the APC protein. This variant is not present in population databases (gnomAD no frequency). This variant has not been reported in the literature in individuals affected with APC-related conditions. ClinVar contains an entry for this variant (Variation ID: 662578). This variant is expected to disrupt the EB1 and HDLG binding sites, which mediate interactions with the cytoskeleton (PMID: 15311282, 17293347). While functional studies have not been performed to directly test the effect on APC protein function, this suggests that disruption of the C-terminal portion of the protein is functionally important. A different truncation (p.Tyr2645Lysfs*14) that lies downstream of this variant has been determined to be pathogenic (PMID: 9824584, 1316610, 27081525, 8381579, 22135120, internal data). This suggests that deletion of this region of the APC protein is causative of disease. For these reasons, this variant has been classified as Pathogenic.

Ambry Genetics
Classification: Pathogenic for Hereditary cancer-predisposing syndrome. Last evaluated: 2024-03-28. Review status: criteria provided, single submitter. Criteria: Ambry Variant Classification Scheme 2023. Collection method: clinical testing. Allele origin: germline.
Comment: The p.S2132* pathogenic mutation (also known as c.6395C>G), located in coding exon 15 of the APC gene, results from a C to G substitution at nucleotide position 6395. This changes the amino acid from a serine to a stop codon within coding exon 15. This alteration occurs at the 3' terminus of theAPC gene, is not expected to trigger nonsense-mediated mRNA decay, and only impacts the last 25% of the protein. However, premature stop codons are typically deleterious in nature and the impacted region is critical for protein function (Ambry internal data). This variant has been observed in at least one individual with a personal and/ or family history that is consistent with APC-associated polyposis conditions (Ambry internal data). This variant is considered to be rare based on population cohorts in the Genome Aggregation Database (gnomAD). Based on the supporting evidence, this alteration is interpreted as a disease-causing mutation.

Literature cited by the submitters: PubMed 15311282 (cited by Labcorp Genetics (formerly Invitae), Labcorp); PubMed 17293347 (cited by Labcorp Genetics (formerly Invitae), Labcorp); PubMed 9824584 (cited by Labcorp Genetics (formerly Invitae), Labcorp); PubMed 1316610 (cited by Labcorp Genetics (formerly Invitae), Labcorp); PubMed 27081525 (cited by Labcorp Genetics (formerly Invitae), Labcorp); PubMed 8381579 (cited by Labcorp Genetics (formerly Invitae), Labcorp); PubMed 22135120 (cited by Labcorp Genetics (formerly Invitae), Labcorp).